The following is an entry in ClinVar:

ClinVar aggregate classification (germline): Conflicting classifications of pathogenicity. Review status: criteria provided, conflicting classifications (1 of 4 stars). 2 submissions from 2 submitters: Pathogenic (1); Uncertain significance (1). Last evaluated 2025-12-22.

Conditions:
Mucopolysaccharidosis, MPS-IV-A (MPS4A). Also called: Mucopolysaccharidosis type IV A; Mucopolysaccharidosis Type IVA; Morquio syndrome A, mild; MORQUIO SYNDROME A; MPS IVA; mucopolysaccharidosis type 4A. Identifiers: Orphanet 309297, Orphanet 582, MedGen C0086651, MONDO:0009659, OMIM 253000.
Morquio syndrome. Also called: Mucopolysaccharidosis, Type IV; MPS IV; Mucopolysaccharidosis type 4; Eccentrochondrodysplasia. Identifiers: Orphanet 582, MedGen C0026707, MONDO:0018938.

Submissions (2):

Women's Health and Genetics/Laboratory Corporation of America, LabCorp
Classification: Pathogenic for Morquio syndrome. Last evaluated: 2025-12-22. Review status: criteria provided, single submitter. Criteria: LabCorp Variant Classification Summary - May 2015. Collection method: clinical testing. Allele origin: germline.
Comment: Variant summary: GALNS c.148G>A (p.Gly50Arg) results in a non-conservative amino acid change in the encoded protein sequence. Algorithms developed to predict the effect of missense changes on protein structure and function all suggest that this variant is likely to be disruptive. The variant was absent in 249316 control chromosomes. c.148G>A has been observed in the homozygous state in at least 2 individual(s) affected with clinical and/or biochemical features of Mucopolysaccharidosis Type IVA (Morquio Syndrome A) (example, Ghaffari_2022, Cozma_2015). These data indicate that the variant is likely to be associated with disease. At least one publication reports experimental evidence evaluating an impact on protein function. The most pronounced variant effect results in <10% of normal activity (Cozma_2015) in patient samples. The following publications have been ascertained in the context of this evaluation (PMID: 35005816, 26147980, 34387910). ClinVar contains an entry for this variant (Variation ID: 1048262). Based on the evidence outlined above, the variant was classified as pathogenic.

Laboratory of Diagnosis and Therapy of Lysosomal Disorders, University of Padova
Classification: Uncertain significance for Mucopolysaccharidosis, MPS-IV-A. Last evaluated: 2021-02-01. Review status: criteria provided, single submitter. Criteria: ACMG Guidelines, 2015. Collection method: curation. Allele origin: germline. Affected: yes.
Comment: In vivo functional studies supportive of a damaging effect on the gene product (low to null enzymatic activity in homozygotes; PS3_supporting); absent from gnomAD v2.1.1 (PM2_moderate); multiple lines of computational evidence support a deleterious effect on the gene (PP3_supporting)

Literature cited by the submitters: PubMed 34387910 (cited by Women's Health and Genetics/Laboratory Corporation of America, LabCorp and Laboratory of Diagnosis and Therapy of Lysosomal Disorders, University of Padova); PubMed 26147980 (cited by Women's Health and Genetics/Laboratory Corporation of America, LabCorp and Laboratory of Diagnosis and Therapy of Lysosomal Disorders, University of Padova); PubMed 35005816 (cited by Women's Health and Genetics/Laboratory Corporation of America, LabCorp).

NM_000512.5(GALNS):c.148G>A (p.Gly50Arg)

Gene: GALNS (galactosamine (N-acetyl)-6-sulfatase; minus strand). Cytogenetic location: 16q24.3.
Variant type: single nucleotide variant.
Coding change: c.148G>A on transcript NM_000512.5 (MANE Select); coding-DNA position 148, G replaced by A.
Protein change: p.Gly50Arg; replaces glycine 50 with arginine.
Molecular consequence: missense variant. On other transcripts: intron variant (1).
Genome position (GRCh38, 1-based): chr16:88,842,802, C>T on the plus strand (G>A on the coding strand, the complement: GALNS is on the minus strand). VCF-style: chr16-88842802-C-T. GRCh37 (hg19) VCF-style: chr16-88909210-C-T.
Other names: c.166G>A, p.Gly56Arg (NM_001323544.2); c.-311-831G>A (NM_001323543.2); short protein forms G50R, G56R.
Identifiers: ClinVar variation 1048262 (VCV001048262.4), dbSNP rs2143005530, ClinGen allele CA397091992.